The following is an entry in ClinVar:

NM_025114.4(CEP290):c.713A>C (p.Glu238Ala)

Gene: CEP290 (centrosomal protein 290; minus strand). Cytogenetic location: 12q21.32.
Variant type: single nucleotide variant.
Coding change: c.713A>C on transcript NM_025114.4 (MANE Select); coding-DNA position 713, A replaced by C.
Protein change: p.Glu238Ala; replaces glutamic acid 238 with alanine.
Molecular consequence: missense variant.
Genome position (GRCh38, 1-based): chr12:88,129,833, T>G on the plus strand (A>C on the coding strand, the complement: CEP290 is on the minus strand). VCF-style: chr12-88129833-T-G. GRCh37 (hg19) VCF-style: chr12-88523610-T-G.
Other names: short protein forms E238A.
Identifiers: ClinVar variation 1512195 (VCV001512195.8), dbSNP rs2138086785, ClinGen allele CA385985712.

ClinVar aggregate classification (germline): Uncertain significance (1 of 4 stars; one submission).

Conditions:
Nephronophthisis. Also called: Juvenile Nephronophthisis. Identifiers: Orphanet 655, MedGen C0687120, MONDO:0019005, HP:0000090.
Meckel-Gruber syndrome. Also called: DYSENCEPHALIA SPLANCHNOCYSTICA; GRUBER SYNDROME; Dysencephalia splachnocystica. Identifiers: Orphanet 564, MedGen C0265215, MONDO:0018921.
Joubert syndrome. Also called: CEREBELLOPARENCHYMAL DISORDER IV; JOUBERT-BOLTSHAUSER SYNDROME; Familial aplasia of the vermis. Identifiers: Orphanet 475, MedGen C5979921, MONDO:0018772.

Submission:

Labcorp Genetics (formerly Invitae), Labcorp
Classification: Uncertain significance for Joubert syndrome; Meckel-Gruber syndrome; Nephronophthisis. Last evaluated: 2021-06-10. Review status: criteria provided, single submitter. Criteria: Invitae Variant Classification Sherloc (09022015). Collection method: clinical testing. Allele origin: germline.
Comment: In summary, the available evidence is currently insufficient to determine the role of this variant in disease. Therefore, it has been classified as a Variant of Uncertain Significance. Algorithms developed to predict the effect of missense changes on protein structure and function are either unavailable or do not agree on the potential impact of this missense change (SIFT: "Tolerated"; PolyPhen-2: "Possibly Damaging"; Align-GVGD: "Class C0"). This variant has not been reported in the literature in individuals with CEP290-related conditions. This variant is not present in population databases (ExAC no frequency). This sequence change replaces glutamic acid with alanine at codon 238 of the CEP290 protein (p.Glu238Ala). The glutamic acid residue is moderately conserved and there is a moderate physicochemical difference between glutamic acid and alanine.